The following is an entry in ClinVar:

NM_001042492.3(NF1):c.880_881insATTC (p.Met294fs)

Gene: NF1 (neurofibromin 1; plus strand). Cytogenetic location: 17q11.2.
Variant type: Insertion.
Coding change: c.880_881insATTC on transcript NM_001042492.3 (MANE Select); coding-DNA positions 880 to 881, ATTC inserted.
Protein change: p.Met294fs; shifts the reading frame from methionine 294.
Molecular consequence: frameshift variant.
Genome position: GRCh38 VCF-style: chr17-31182657-A-AATTC. GRCh37 (hg19) VCF-style: chr17-29509675-A-AATTC.
Other names: c.880_881insATTC, p.Met294Asnfs (NM_000267.4); c.880_881insATTC, p.Met294fs (NM_001128147.3); short protein forms M294fs.
Identifiers: ClinVar variation 3768405 (VCV003768405.1).

ClinVar aggregate classification (germline): Pathogenic (1 of 4 stars; one submission).

Conditions:
Neurofibromatosis, type 1 (NF1). Also called: VON RECKLINGHAUSEN DISEASE; NEUROFIBROMATOSIS, TYPE I, SOMATIC; Peripheral type neurofibromatosis; Neurofibromatosis, type I. Identifiers: Orphanet 636, MedGen C0027831, MONDO:0018975, OMIM 162200. Disease mechanism: loss of function.

Submission:

Women's Health and Genetics/Laboratory Corporation of America, LabCorp
Classification: Pathogenic for Neurofibromatosis, type 1. Last evaluated: 2024-12-26. Review status: criteria provided, single submitter. Criteria: LabCorp Variant Classification Summary - May 2015. Collection method: clinical testing. Allele origin: germline.
Comment: Variant summary: NF1 c.880_881insATTC (p.Met294AsnfsX4) results in a premature termination codon, predicted to cause a truncation of the encoded protein or absence of the protein due to nonsense mediated decay, which are commonly known mechanisms for disease. The variant was absent in 250206 control chromosomes. To our knowledge, no occurrence of c.880_881insATTC in individuals affected with Neurofibromatosis Type 1 and no experimental evidence demonstrating its impact on protein function have been reported. No submitters have cited clinical-significance assessments for this variant to ClinVar. Based on the evidence outlined above, the variant was classified as pathogenic.